The following is an entry in ClinVar:

NM_020461.4(TUBGCP6):c.4736A>G (p.Asn1579Ser)

Gene: TUBGCP6 (tubulin gamma complex component 6; minus strand). Cytogenetic location: 22q13.33.
Variant type: single nucleotide variant.
Coding change: c.4736A>G on transcript NM_020461.4 (MANE Select); coding-DNA position 4736, A replaced by G.
Protein change: p.Asn1579Ser; replaces asparagine 1579 with serine.
Molecular consequence: missense variant.
Genome position (GRCh38, 1-based): chr22:50,218,788, T>C on the plus strand (A>G on the coding strand, the complement: TUBGCP6 is on the minus strand). VCF-style: chr22-50218788-T-C. GRCh37 (hg19) VCF-style: chr22-50657217-T-C.
Other names: c.4736A>G (NM_020461.3); short protein forms N1579S.
Identifiers: ClinVar variation 1060052 (VCV001060052.11), dbSNP rs769431336, ClinGen allele CA10307362.

ClinVar aggregate classification (germline): Uncertain significance. Review status: criteria provided, multiple submitters, no conflicts (2 of 4 stars). 3 submissions from 3 submitters: Uncertain significance (3). Last evaluated 2026-04-21.

Conditions:
Inborn genetic diseases. Identifiers: MedGen C0950123, MeSH D030342.
TUBGCP6-related disorder. Also called: TUBGCP6-related condition.

Allele frequency attached by ClinVar (database versions not stated): ExAC 0.00002; gnomAD 0.00003 and 0.00004; gnomAD exomes 0.00003 and 0.00004; TOPMed 0.00005.
gnomAD v4.1: 58 of 1,613,552 alleles (0.0036%); highest among the groups gnomAD compares: Non-Finnish European, 0.0045%; no homozygotes.

Submissions (3):

PreventionGenetics, part of Exact Sciences
Classification: Uncertain significance for TUBGCP6-related condition. Last evaluated: 2026-04-21. Review status: criteria provided, single submitter. Criteria: ACMG Guidelines, 2015. Collection method: clinical testing. Allele origin: germline.
Comment: The TUBGCP6 c.4736A>G variant is predicted to result in the amino acid substitution p.Asn1579Ser. To our knowledge, this variant has not been reported in the literature. This variant is reported in 0.0044% of alleles in individuals of European (Non-Finnish) descent in gnomAD. At this time, the clinical significance of this variant is uncertain due to the absence of conclusive functional and genetic evidence.

Labcorp Genetics (formerly Invitae), Labcorp
Classification: Uncertain significance. Last evaluated: 2025-12-02. Review status: criteria provided, single submitter. Criteria: Invitae Variant Classification Sherloc (09022015). Collection method: clinical testing. Allele origin: germline.
Comment: This sequence change replaces asparagine, which is neutral and polar, with serine, which is neutral and polar, at codon 1579 of the TUBGCP6 protein (p.Asn1579Ser). This variant is present in population databases (rs769431336, gnomAD 0.006%). This variant has not been reported in the literature in individuals affected with TUBGCP6-related conditions. ClinVar contains an entry for this variant (Variation ID: 1060052). An algorithm developed to predict the effect of missense changes on protein structure and function (PolyPhen-2) suggests that this variant is likely to be disruptive. In summary, the available evidence is currently insufficient to determine the role of this variant in disease. Therefore, it has been classified as a Variant of Uncertain Significance.

Ambry Genetics
Classification: Uncertain significance for Inborn genetic diseases. Last evaluated: 2025-02-14. Review status: criteria provided, single submitter. Criteria: Ambry Variant Classification Scheme 2023. Collection method: clinical testing. Allele origin: germline.